The following is an entry in ClinVar:

ClinVar aggregate classification (germline): Uncertain significance (1 of 4 stars; one submission).

Allele frequency attached by ClinVar (database versions not stated): gnomAD exomes below 0.00001; gnomAD 0.00001.

Submission:

Labcorp Genetics (formerly Invitae), Labcorp
Classification: Uncertain significance. Last evaluated: 2021-12-23. Review status: criteria provided, single submitter. Criteria: Invitae Variant Classification Sherloc (09022015). Collection method: clinical testing. Allele origin: germline.
Comment: Variants that disrupt the consensus splice site are a relatively common cause of aberrant splicing (PMID: 17576681, 9536098). Algorithms developed to predict the effect of sequence changes on RNA splicing suggest that this variant may disrupt the consensus splice site. This variant has not been reported in the literature in individuals affected with RP9-related conditions. This variant is present in population databases (no rsID available, gnomAD 0.003%). This sequence change falls in intron 3 of the RP9 gene. It does not directly change the encoded amino acid sequence of the RP9 protein. It affects a nucleotide within the consensus splice site. In summary, the available evidence is currently insufficient to determine the role of this variant in disease. Therefore, it has been classified as a Variant of Uncertain Significance.

Literature cited by the submitters: PubMed 17576681; PubMed 9536098.

NM_203288.2(RP9):c.313+6T>C

Gene: RP9 (RP9 pre-mRNA splicing factor; minus strand). Cytogenetic location: 7p14.3.
Variant type: single nucleotide variant.
Coding change: c.313+6T>C on transcript NM_203288.2 (MANE Select); 6 bases into the intron after coding-DNA position 313, T replaced by C.
Molecular consequence: intron variant.
Genome position (GRCh38, 1-based): chr7:33,099,301, A>G on the plus strand (T>C on the coding strand, the complement: RP9 is on the minus strand). VCF-style: chr7-33099301-A-G. GRCh37 (hg19) VCF-style: chr7-33138913-A-G.
Identifiers: ClinVar variation 1971747 (VCV001971747.5), dbSNP rs1042627366, ClinGen allele CA156255405.